The following is an entry in ClinVar:

NM_002334.4(LRP4):c.2202C>T (p.His734=)

Gene: LRP4 (LDL receptor related protein 4; minus strand). Cytogenetic location: 11p11.2.
Variant type: single nucleotide variant.
Coding change: c.2202C>T on transcript NM_002334.4 (MANE Select); coding-DNA position 2202, C replaced by T.
Protein change: p.His734=; no amino-acid change (histidine 734 retained).
Molecular consequence: synonymous variant.
Genome position (GRCh38, 1-based): chr11:46,889,424, G>A on the plus strand (C>T on the coding strand, the complement: LRP4 is on the minus strand). VCF-style: chr11-46889424-G-A. GRCh37 (hg19) VCF-style: chr11-46910975-G-A.
Identifiers: ClinVar variation 766287 (VCV000766287.12), dbSNP rs757999800, ClinGen allele CA5969965.

ClinVar aggregate classification (germline): Likely benign. Review status: criteria provided, single submitter (1 of 4 stars). 2 submissions from 2 submitters: Likely benign (1). 1 of the submissions does not count toward it. Last evaluated 2025-12-08.

Conditions:
LRP4-related disorder. Also called: LRP4-related condition.
Cenani-Lenz syndactyly syndrome. Also called: SYNDACTYLY, TYPE VII; CENANI SYNDACTYLISM. Identifiers: Orphanet 3258, MedGen C1859309, MONDO:0008931, OMIM 212780.
Congenital myasthenic syndrome 17. Identifiers: Orphanet 590, MedGen C4225377, MONDO:0014578, OMIM 616304.
Sclerosteosis 2 (SOST2). Identifiers: Orphanet 3152, MedGen C3280402, MONDO:0013679, OMIM 614305.

Allele frequency attached by ClinVar (database versions not stated): ExAC 0.00001; gnomAD exomes 0.00003 and 0.00006; TOPMed 0.00003; gnomAD 0.00004.
gnomAD v4.1: 91 of 1,613,940 alleles (0.0056%); highest among the groups gnomAD compares: Non-Finnish European, 0.006%; no homozygotes.

Submissions (2):

Labcorp Genetics (formerly Invitae), Labcorp
Classification: Likely benign for Cenani-Lenz syndactyly syndrome; Sclerosteosis 2; Congenital myasthenic syndrome 17. Last evaluated: 2025-12-08. Review status: criteria provided, single submitter. Criteria: Invitae Variant Classification Sherloc (09022015). Collection method: clinical testing. Allele origin: germline.

PreventionGenetics, part of Exact Sciences
Classification: Likely benign for LRP4-related condition. Last evaluated: 2020-12-15. Review status: no assertion criteria provided. Collection method: clinical testing. Allele origin: germline. Not counted in ClinVar's aggregate classification.
Comment: This variant is classified as likely benign based on ACMG/AMP sequence variant interpretation guidelines (Richards et al. 2015 PMID: 25741868, with internal and published modifications).